The following is an entry in ClinVar:

NM_006517.5(SLC16A2):c.679C>T (p.Arg227Cys)

Gene: SLC16A2 (solute carrier family 16 member 2; plus strand). Cytogenetic location: Xq13.2.
Variant type: single nucleotide variant.
Coding change: c.679C>T on transcript NM_006517.5 (MANE Select); coding-DNA position 679, C replaced by T.
Protein change: p.Arg227Cys; replaces arginine 227 with cysteine.
Molecular consequence: missense variant.
Genome position (GRCh38, 1-based): chrX:74,524,462, C>T. VCF-style: chrX-74524462-C-T. GRCh37 (hg19) VCF-style: chrX-73744297-C-T.
Other names: short protein forms R227C.
Identifiers: ClinVar variation 1964244 (VCV001964244.5), dbSNP rs1930458331, ClinGen allele CA413657053.

ClinVar aggregate classification (germline): Uncertain significance (1 of 4 stars; one submission).

Conditions:
Spastic paraplegia. Identifiers: MedGen C0037772, HP:0001258.

Allele frequency attached by ClinVar (database versions not stated): TOPMed below 0.00001.

Submission:

Labcorp Genetics (formerly Invitae), Labcorp
Classification: Uncertain significance for Spastic paraplegia. Last evaluated: 2025-01-08. Review status: criteria provided, single submitter. Criteria: Invitae Variant Classification Sherloc (09022015). Collection method: clinical testing. Allele origin: germline.
Comment: This sequence change replaces arginine, which is basic and polar, with cysteine, which is neutral and slightly polar, at codon 227 of the SLC16A2 protein (p.Arg227Cys). This variant is not present in population databases (gnomAD no frequency). This variant has not been reported in the literature in individuals affected with SLC16A2-related conditions. ClinVar contains an entry for this variant (Variation ID: 1964244). Invitae Evidence Modeling of protein sequence and biophysical properties (such as structural, functional, and spatial information, amino acid conservation, physicochemical variation, residue mobility, and thermodynamic stability) indicates that this missense variant is expected to disrupt SLC16A2 protein function with a positive predictive value of 95%. In summary, the available evidence is currently insufficient to determine the role of this variant in disease. Therefore, it has been classified as a Variant of Uncertain Significance.